The following is an entry in ClinVar:

NM_020338.4(ZMIZ1):c.3150del (p.Asp1051fs)

Gene: ZMIZ1 (zinc finger MIZ-type containing 1; plus strand). Cytogenetic location: 10q22.3.
Variant type: Deletion.
Coding change: c.3150del on transcript NM_020338.4 (MANE Select); coding-DNA position 3150, one base deleted (C; older notation c.3150delC).
Protein change: p.Asp1051fs; shifts the reading frame from aspartic acid 1051.
Molecular consequence: frameshift variant.
Genome position (GRCh38, 1-based): chr10:79,312,695, C deleted; the last of 7 consecutive C bases (chr10:79,312,689-79,312,695); deleting any one gives the same sequence. VCF-style (leftmost placement, unchanged base first): chr10-79312688-AC-A. GRCh37 (hg19) VCF-style: chr10-81072445-AC-A.
Other names: short protein forms D1051fs.
Identifiers: ClinVar variation 2136139 (VCV002136139.1), dbSNP rs762162611, ClinGen allele CA5573223.

ClinVar aggregate classification (germline): Likely pathogenic (1 of 4 stars; one submission).

Submission:

GeneDx
Classification: Likely pathogenic. Last evaluated: 2023-01-20. Review status: criteria provided, single submitter. Criteria: GeneDx Variant Classification Process June 2021. Collection method: clinical testing. Allele origin: germline. Affected: yes.
Comment: Frameshift variant predicted to result in protein truncation as the last 17 amino acids are replaced with 72 different amino acids, although loss-of-function variants have not been reported downstream of this position in the protein; Not observed at significant frequency in large population cohorts (gnomAD); Has not been previously published as pathogenic or benign to our knowledge